The following is an entry in ClinVar:

NM_001370348.2(PHF3):c.4870A>T (p.Asn1624Tyr)

Gene: PHF3 (PHD finger protein 3; plus strand). Cytogenetic location: 6q12.
Variant type: single nucleotide variant.
Coding change: c.4870A>T on transcript NM_001370348.2 (MANE Select); coding-DNA position 4870, A replaced by T.
Protein change: p.Asn1624Tyr; replaces asparagine 1624 with tyrosine.
Molecular consequence: missense variant.
Genome position (GRCh38, 1-based): chr6:63,712,458, A>T. VCF-style: chr6-63712458-A-T. GRCh37 (hg19) VCF-style: chr6-64422354-A-T.
Other names: c.4606A>T, p.Asn1536Tyr (NM_001290259.2, NM_001370349.2); c.2677A>T, p.Asn893Tyr (NM_001370350.2); c.4870A>T, p.Asn1624Tyr (NM_015153.4); short protein forms N1536Y, N1624Y, N893Y.
Identifiers: ClinVar variation 3054957 (VCV003054957.2), dbSNP rs975397208, ClinGen allele CA139846895.
Genomic context (GRCh38, chr6:63,712,458, plus strand): 5'-AATTTGCAAGATAACCAGACTTCAAATAGTTCTCCATGCAGATCTAATGTAGGAAAAGGA[A>T]ACATAGATGGTAATGTGAGCTGTAGTGAAAACCTTGTTGCTAATACAGCGAGGTCTCCAC-3'
Protein context (NP_001357277.1, residues 1614-1634): SPCRSNVGKG[Asn1624Tyr]IDGNVSCSEN

ClinVar aggregate classification (germline): Uncertain significance (0 of 4 stars; one submission).

Conditions:
PHF3-related disorder. Also called: PHF3-related condition.

Allele frequency attached by ClinVar (database versions not stated): TOPMed below 0.00001; gnomAD 0.00001.

Submission:

PreventionGenetics, part of Exact Sciences
Classification: Uncertain significance for PHF3-related condition. Last evaluated: 2024-01-18. Review status: no assertion criteria provided. Collection method: clinical testing. Allele origin: germline.
Comment: The PHF3 c.4870A>T variant is predicted to result in the amino acid substitution p.Asn1624Tyr. To our knowledge, this variant has not been reported in the literature or in a large population database, indicating this variant is rare. At this time, the clinical significance of this variant is uncertain due to the absence of conclusive functional and genetic evidence.